The following is an entry in ClinVar:

ClinVar aggregate classification (germline): Uncertain significance (1 of 4 stars; one submission).

gnomAD v4.1: 2 of 1,614,002 alleles (0.00012%); highest among the groups gnomAD compares: Admixed American, 0.0017%; no homozygotes.

Submission:

GeneDx
Classification: Uncertain significance. Last evaluated: 2023-11-25. Review status: criteria provided, single submitter. Criteria: GeneDx Variant Classification Process June 2021. Collection method: clinical testing. Allele origin: germline. Affected: yes.
Comment: Not observed at significant frequency in large population cohorts (gnomAD); In silico analysis supports that this missense variant does not alter protein structure/function; Has not been previously published as pathogenic or benign to our knowledge; Not located in the triple helical region, where the majority of pathogenic missense variants occur (PMID: 22696272, HGMD); This variant is associated with the following publications: (PMID: 22696272)

NM_000393.5(COL5A2):c.3873C>G (p.His1291Gln)

Gene: COL5A2 (collagen type V alpha 2 chain; minus strand). Cytogenetic location: 2q32.2.
Variant type: single nucleotide variant.
Coding change: c.3873C>G on transcript NM_000393.5 (MANE Select); coding-DNA position 3873, C replaced by G.
Protein change: p.His1291Gln; replaces histidine 1291 with glutamine.
Molecular consequence: missense variant.
Genome position (GRCh38, 1-based): chr2:189,039,324, G>C on the plus strand (C>G on the coding strand, the complement: COL5A2 is on the minus strand). VCF-style: chr2-189039324-G-C. GRCh37 (hg19) VCF-style: chr2-189904050-G-C.
Other names: short protein forms H1291Q.
Identifiers: ClinVar variation 3364883 (VCV003364883.1).